The following is an entry in ClinVar:

NM_001273.5(CHD4):c.223C>T (p.Arg75Cys)

Gene: CHD4 (chromodomain helicase DNA binding protein 4; minus strand). Cytogenetic location: 12p13.31.
Variant type: single nucleotide variant.
Coding change: c.223C>T on transcript NM_001273.5 (MANE Select); coding-DNA position 223, C replaced by T.
Protein change: p.Arg75Cys; replaces arginine 75 with cysteine.
Molecular consequence: missense variant. On other transcripts: intron variant (1).
Genome position (GRCh38, 1-based): chr12:6,602,175, G>A on the plus strand (C>T on the coding strand, the complement: CHD4 is on the minus strand). VCF-style: chr12-6602175-G-A. GRCh37 (hg19) VCF-style: chr12-6711341-G-A.
Other names: c.223C>T, p.Arg75Cys (NM_001363606.2); c.223-21C>T (NM_001297553.2); c.223C>T (NM_001273.3); short protein forms R75C.
Identifiers: ClinVar variation 2244627 (VCV002244627.3), dbSNP rs749142192, ClinGen allele CA383605168.
Genomic context (GRCh38, chr12:6,602,175, plus strand): 5'-CCTCCACAAACTCTGGCCCCTCCCCAGAGCTGTCCCCCAGCTGCCGGCATAAGAGCATAC[G>A]CTGGAGCAGGGCAAGGGGGGAAGAGGGAGACAGACACACACATGCTACACACATGCTGAC-3'
Protein context (NP_001264.2, residues 65-85): IPKSKRQKKE[Arg75Cys]MLLCRQLGDS

ClinVar aggregate classification (germline): Uncertain significance. Review status: criteria provided, multiple submitters, no conflicts (2 of 4 stars). 2 submissions from 2 submitters: Uncertain significance (2). Last evaluated 2025-06-05.

Conditions:
Inborn genetic diseases. Identifiers: MedGen C0950123, MeSH D030342.
CHD4-related disorder. Also called: CHD4-related condition.

gnomAD v4.1: 5 of 1,613,778 alleles (0.00031%); highest among the groups gnomAD compares: East Asian, 0.0022%; no homozygotes.

Submissions (2):

PreventionGenetics, part of Exact Sciences
Classification: Uncertain significance for CHD4-related condition. Last evaluated: 2025-06-05. Review status: criteria provided, single submitter. Criteria: ACMG Guidelines, 2015. Collection method: clinical testing. Allele origin: germline.
Comment: The CHD4 c.223C>T variant is predicted to result in the amino acid substitution p.Arg75Cys. To our knowledge, this variant has not been reported in the literature. This variant is reported in 0.00088% of alleles in individuals of European (Non-Finnish) descent in gnomAD. At this time, the clinical significance of this variant is uncertain due to the absence of conclusive functional and genetic evidence.

Ambry Genetics
Classification: Uncertain significance for Inborn genetic diseases. Last evaluated: 2021-08-13. Review status: criteria provided, single submitter. Criteria: Ambry Variant Classification Scheme 2023. Collection method: clinical testing. Allele origin: germline.